The following is an entry in ClinVar:

ClinVar aggregate classification (germline): Conflicting classifications of pathogenicity. Review status: criteria provided, conflicting classifications (1 of 4 stars). 5 submissions from 5 submitters: Likely pathogenic (4); Uncertain significance (1). Last evaluated 2025-08-15.

Conditions:
Lynch syndrome. Identifiers: Orphanet 144, MedGen C4552100, MONDO:0005835. Disease mechanism: loss of function.
Hereditary cancer-predisposing syndrome. Also called: Hereditary Cancer Syndrome; Neoplastic Syndromes, Hereditary; Hereditary neoplastic syndrome; Tumor predisposition. Identifiers: Orphanet 140162, MedGen C0027672, MeSH D009386, MONDO:0015356.
Hereditary nonpolyposis colorectal neoplasms. Identifiers: MedGen C0009405, MeSH D003123.
Lynch syndrome 5 (LYNCH5). Also called: Hereditary non-polyposis colorectal cancer, type 5; Colorectal cancer, hereditary nonpolyposis, type 5. Identifiers: Orphanet 144, MedGen C1833477, MONDO:0013710, OMIM 614350. Disease mechanism: loss of function.

Submissions (5):

Labcorp Genetics (formerly Invitae), Labcorp
Classification: Likely pathogenic for Hereditary nonpolyposis colorectal neoplasms. Last evaluated: 2025-08-15. Review status: criteria provided, single submitter. Criteria: Invitae Variant Classification Sherloc (09022015). Collection method: clinical testing. Allele origin: germline.
Comment: This sequence change replaces leucine, which is neutral and non-polar, with proline, which is neutral and non-polar, at codon 1209 of the MSH6 protein (p.Leu1209Pro). This variant is not present in population databases (gnomAD no frequency). This missense change has been observed in individuals with breast cancer and/or colorectal cancer (PMID: 35449176; internal data). ClinVar contains an entry for this variant (Variation ID: 428285). Invitae Evidence Modeling of protein sequence and biophysical properties (such as structural, functional, and spatial information, amino acid conservation, physicochemical variation, residue mobility, and thermodynamic stability) indicates that this missense variant is expected to disrupt MSH6 protein function with a positive predictive value of 95%. In summary, the currently available evidence indicates that the variant is pathogenic, but additional data are needed to prove that conclusively. Therefore, this variant has been classified as Likely Pathogenic.

Color Diagnostics, LLC DBA Color Health
Classification: Likely pathogenic for Hereditary cancer-predisposing syndrome. Last evaluated: 2025-02-03. Review status: criteria provided, single submitter. Criteria: ACMG Guidelines, 2015. Collection method: clinical testing. Allele origin: germline.
Comment: This missense variant replaces leucine with proline at codon 1209 of the MSH6 protein. This variant is located within a Walker B motif of the ATPase domain. Computational prediction suggests that this variant may have deleterious impact on protein structure and function (internally defined REVEL score threshold >= 0.7, PMID: 27666373). This variant has been shown to result in significant loss of mismatch repair activity compared to wild type protein (communication with an external laboratory; SCV004185565.1) . This variant has been reported in multiple individuals affected with Lynch syndrome-associated disease, some with tumor data showing high microsatellite instability or loss of MSH6 protein via immunohistochemistry (communication with an external laboratory; ClinVar SCV000580088.6). This variant has not been identified in the general population by the Genome Aggregation Database (gnomAD). This variant has not been identified in the general population by the Genome Aggregation Database (gnomAD). Based on the available evidence, this variant is classified as Likely Pathogenic.

Ambry Genetics
Classification: Likely pathogenic for Hereditary cancer-predisposing syndrome. Last evaluated: 2023-12-29. Review status: criteria provided, single submitter. Criteria: Ambry Variant Classification Scheme 2023. Collection method: clinical testing. Allele origin: germline.
Comment: The p.L1209P variant (also known as c.3626T>C), located in coding exon 7 of the MSH6 gene, results from a T to C substitution at nucleotide position 3626. The leucine at codon 1209 is replaced by proline, an amino acid with similar properties. This variant has been identified in probands whose Lynch syndrome-associated tumor demonstrated loss of MSH6 expression by immunohistochemistry and/or high microsatellite instability (Ambry internal data). This amino acid position is highly conserved in available vertebrate species. In addition, this alteration is predicted to be deleterious by in silico analysis. Based on the majority of available evidence to date, this variant is likely to be pathogenic.

Myriad Genetics, Inc.
Classification: Likely pathogenic for Lynch syndrome 5. Last evaluated: 2023-08-24. Review status: criteria provided, single submitter. Criteria: Myriad Autosomal Dominant, Autosomal Recessive and X-Linked Classification Criteria (2023). Collection method: clinical testing. Allele origin: unknown.
Comment: This variant is considered likely pathogenic. Functional studies indicate this variant impacts protein function [Myriad internal data]. This variant is expected to disrupt protein structure [Myriad internal data].

All of Us Research Program, National Institutes of Health
Classification: Uncertain significance for Lynch syndrome. Last evaluated: 2023-08-15. Review status: criteria provided, single submitter. Criteria: ACMG Guidelines, 2015. Collection method: clinical testing. Allele origin: germline. Inheritance: Autosomal dominant inheritance. Observed: 1 variant allele, 1 heterozygote.
Comment: This missense variant replaces leucine with proline at codon 1209 of the MSH6 protein. Computational prediction suggests that this variant may have deleterious impact on protein structure and function (internally defined REVEL score threshold >= 0.7, PMID: 27666373). To our knowledge, functional studies have not been reported for this variant. This variant has not been reported in individuals affected with MSH6-related disorders in the literature. This variant has not been identified in the general population by the Genome Aggregation Database (gnomAD). The available evidence is insufficient to determine the role of this variant in disease conclusively. Therefore, this variant is classified as a Variant of Uncertain Significance.

This study involves interpretation of variants in research participants for the purpose of population health screening. Participant phenotype was not available at the time of variant classification. Additional details can be found in publication PMID: 35346344, PMCID: PMC8962531

Literature cited by the submitters: PubMed 35449176 (cited by Labcorp Genetics (formerly Invitae), Labcorp).

NM_000179.3(MSH6):c.3626T>C (p.Leu1209Pro)

Gene: MSH6 (mutS homolog 6; plus strand). Cytogenetic location: 2p16.3.
Variant type: single nucleotide variant.
Coding change: c.3626T>C on transcript NM_000179.3 (MANE Select); coding-DNA position 3626, T replaced by C.
Protein change: p.Leu1209Pro; replaces leucine 1209 with proline.
Molecular consequence: missense variant.
Genome position (GRCh38, 1-based): chr2:47,805,687, T>C. VCF-style: chr2-47805687-T-C. GRCh37 (hg19) VCF-style: chr2-48032826-T-C.
Other names: c.3236T>C, p.Leu1079Pro (NM_001281492.2); c.2720T>C, p.Leu907Pro (NM_001281493.2, NM_001281494.2); short protein forms L1209P, L1079P, L907P.
Identifiers: ClinVar variation 428285 (VCV000428285.13), dbSNP rs1114167688, ClinGen allele CA346760597.